The following is an entry in ClinVar:

NM_004715.5(CTDP1):c.77G>A (p.Gly26Glu)

Gene: CTDP1 (CTD phosphatase subunit 1; plus strand). Cytogenetic location: 18q23.
Variant type: single nucleotide variant.
Coding change: c.77G>A on transcript NM_004715.5 (MANE Select); coding-DNA position 77, G replaced by A.
Protein change: p.Gly26Glu; replaces glycine 26 with glutamic acid.
Molecular consequence: missense variant.
Genome position (GRCh38, 1-based): chr18:79,680,024, G>A. VCF-style: chr18-79680024-G-A. GRCh37 (hg19) VCF-style: chr18-77440024-G-A.
Other names: c.77G>A, p.Gly26Glu (NM_001318511.2, NM_048368.4); c.77G>A (NM_004715.4); short protein forms G26E.
Identifiers: ClinVar variation 1373323 (VCV001373323.6), dbSNP rs1230507450, ClinGen allele CA402824911.

ClinVar aggregate classification (germline): Uncertain significance. Review status: criteria provided, multiple submitters, no conflicts (2 of 4 stars). 2 submissions from 2 submitters: Uncertain significance (2). Last evaluated 2023-08-30.

Allele frequency attached by ClinVar (database versions not stated): gnomAD exomes 0.00001 and 0.00045.

Submissions (2):

Labcorp Genetics (formerly Invitae), Labcorp
Classification: Uncertain significance. Last evaluated: 2023-08-30. Review status: criteria provided, single submitter. Criteria: Invitae Variant Classification Sherloc (09022015). Collection method: clinical testing. Allele origin: germline.
Comment: This sequence change replaces glycine, which is neutral and non-polar, with glutamic acid, which is acidic and polar, at codon 26 of the CTDP1 protein (p.Gly26Glu). The frequency data for this variant in the population databases is considered unreliable, as metrics indicate poor data quality at this position in the gnomAD database. In summary, the available evidence is currently insufficient to determine the role of this variant in disease. Therefore, it has been classified as a Variant of Uncertain Significance. An algorithm developed to predict the effect of missense changes on protein structure and function (PolyPhen-2) suggests that this variant¬†is likely to be tolerated. ClinVar contains an entry for this variant (Variation ID: 1373323). This variant has not been reported in the literature in individuals affected with CTDP1-related conditions.

Ambry Genetics
Classification: Uncertain significance. Last evaluated: 2021-12-07. Review status: criteria provided, single submitter. Criteria: Ambry Variant Classification Scheme 2023. Collection method: clinical testing. Allele origin: germline.